The following is an entry in ClinVar:

NM_004360.5(CDH1):c.833-17T>C

Gene: CDH1 (cadherin 1; plus strand). Cytogenetic location: 16q22.1.
Variant type: single nucleotide variant.
Coding change: c.833-17T>C on transcript NM_004360.5 (MANE Select); 17 bases into the intron before coding-DNA position 833, T replaced by C.
Molecular consequence: intron variant.
Genome position (GRCh38, 1-based): chr16:68,811,667, T>C. VCF-style: chr16-68811667-T-C. GRCh37 (hg19) VCF-style: chr16-68845570-T-C.
Other names: c.833-17T>C (LRG_301t1, NM_001317184.2); c.-783-17T>C (NM_001317185.2); c.-987-17T>C (NM_001317186.2).
Identifiers: ClinVar variation 382424 (VCV000382424.13), dbSNP rs1057520572, ClinGen allele CA16607357.
Genomic context (GRCh38, chr16:68,811,667, plus strand): 5'-CAGAATTGGATTAAGCAGTATTGACCCAGTCCCAAAGTGCAGCTTGTCTAAACCTTCATC[T>C]CCTTGAACTCTTCCAGGAACCTCTGTGATGGAGGTCACAGCCACAGACGCGGACGATGAT-3'

ClinVar aggregate classification (germline): Likely benign. Review status: criteria provided, multiple submitters, no conflicts (2 of 4 stars). 5 submissions from 5 submitters: Likely benign (5). Last evaluated 2025-12-26.

Conditions:
Breast and/or ovarian cancer. Identifiers: MedGen CN221562.
Hereditary cancer-predisposing syndrome. Also called: Hereditary neoplastic syndrome; Tumor predisposition; Neoplastic Syndromes, Hereditary; Hereditary Cancer Syndrome. Identifiers: Orphanet 140162, MedGen C0027672, MeSH D009386, MONDO:0015356.
Hereditary diffuse gastric adenocarcinoma (HDGC). Also called: DIFFUSE GASTRIC AND LOBULAR BREAST CANCER SYNDROME. Identifiers: Orphanet 26106, MedGen C1708349, MONDO:0007648, OMIM 137215.

Allele frequency attached by ClinVar (database versions not stated): TOPMed 0.00002.
gnomAD v4.1: 4 of 1,613,412 alleles (0.00025%); highest among the groups gnomAD compares: Non-Finnish European, 0.00034%; no homozygotes.

Submissions (5):

Labcorp Genetics (formerly Invitae), Labcorp
Classification: Likely benign for Hereditary diffuse gastric adenocarcinoma. Last evaluated: 2025-12-26. Review status: criteria provided, single submitter. Criteria: Invitae Variant Classification Sherloc (09022015). Collection method: clinical testing. Allele origin: germline.

Myriad Genetics, Inc.
Classification: Likely benign for Hereditary diffuse gastric adenocarcinoma. Last evaluated: 2024-09-16. Review status: criteria provided, single submitter. Criteria: Myriad Autosomal Dominant, Autosomal Recessive and X-Linked Classification Criteria (2023). Collection method: clinical testing. Allele origin: unknown.
Comment: This variant is considered likely benign. This variant is intronic and is not expected to impact mRNA splicing.

CHEO Genetics Diagnostic Laboratory, Children's Hospital of Eastern Ontario
Classification: Likely benign for Breast and/or ovarian cancer. Last evaluated: 2021-11-22. Review status: criteria provided, single submitter. Criteria: ACMG Guidelines, 2015. Collection method: clinical testing. Allele origin: germline.

GeneDx
Classification: Likely benign. Last evaluated: 2017-08-10. Review status: criteria provided, single submitter. Criteria: GeneDx Variant Classification (06012015). Collection method: clinical testing. Allele origin: germline. Affected: yes.
Comment: This variant is considered likely benign or benign based on one or more of the following criteria: it is a conservative change, it occurs at a poorly conserved position in the protein, it is predicted to be benign by multiple in silico algorithms, and/or has population frequency not consistent with disease.

Color Diagnostics, LLC DBA Color Health
Classification: Likely benign for Hereditary cancer-predisposing syndrome. Last evaluated: 2016-03-29. Review status: criteria provided, single submitter. Criteria: ACMG Guidelines, 2015. Collection method: clinical testing. Allele origin: germline.